The following is an entry in ClinVar:

ClinVar aggregate classification (germline): Uncertain significance. Review status: criteria provided, multiple submitters, no conflicts (2 of 4 stars). 2 submissions from 2 submitters: Uncertain significance (2). Last evaluated 2022-09-01.

Conditions:
Mitochondrial complex IV deficiency, nuclear type 11. Also called: Mitochondrial complex 4 deficiency, nuclear type 11. Identifiers: MedGen C5436694, MONDO:0033645, OMIM 619054.

Allele frequency attached by ClinVar (database versions not stated): gnomAD 0.00001; gnomAD exomes below 0.00001; TOPMed below 0.00001.

Submissions (2):

Labcorp Genetics (formerly Invitae), Labcorp
Classification: Uncertain significance. Last evaluated: 2022-09-01. Review status: criteria provided, single submitter. Criteria: Invitae Variant Classification Sherloc (09022015). Collection method: clinical testing. Allele origin: germline.
Comment: This sequence change replaces serine, which is neutral and polar, with glycine, which is neutral and non-polar, at codon 115 of the COX20 protein (p.Ser115Gly). This variant is not present in population databases (gnomAD no frequency). This variant has not been reported in the literature in individuals affected with COX20-related conditions. ClinVar contains an entry for this variant (Variation ID: 1491579). Algorithms developed to predict the effect of missense changes on protein structure and function (SIFT, PolyPhen-2, Align-GVGD) all suggest that this variant is likely to be tolerated. In summary, the available evidence is currently insufficient to determine the role of this variant in disease. Therefore, it has been classified as a Variant of Uncertain Significance.

Fulgent Genetics
Classification: Uncertain significance for Mitochondrial complex IV deficiency, nuclear type 11. Last evaluated: 2022-04-08. Review status: criteria provided, single submitter. Criteria: ACMG Guidelines, 2015. Collection method: clinical testing. Allele origin: unknown.

NM_198076.6(COX20):c.343A>G (p.Ser115Gly)

Gene: COX20 (cytochrome c oxidase assembly factor COX20; plus strand). Cytogenetic location: 1q44.
Variant type: single nucleotide variant.
Coding change: c.343A>G on transcript NM_198076.6 (MANE Select); coding-DNA position 343, A replaced by G.
Protein change: p.Ser115Gly; replaces serine 115 with glycine.
Molecular consequence: missense variant. On other transcripts: non-coding transcript variant (3), 3 prime UTR variant (1).
Genome position (GRCh38, 1-based): chr1:244,843,162, A>G. VCF-style: chr1-244843162-A-G. GRCh37 (hg19) VCF-style: chr1-245006464-A-G.
Other names: c.343A>G, p.Ser115Gly (NM_001312871.1); c.379A>G, p.Ser127Gly (NM_001312872.1); c.208A>G, p.Ser70Gly (NM_001312873.1); c.*153A>G (NM_001312874.1); short protein forms S127G, S70G, S115G.
Identifiers: ClinVar variation 1491579 (VCV001491579.6), dbSNP rs1322874143, ClinGen allele CA345485568.